The following is an entry in ClinVar:

NM_201384.3(PLEC):c.2116T>C (p.Trp706Arg)

Gene: PLEC (plectin; minus strand). Cytogenetic location: 8q24.3.
Variant type: single nucleotide variant.
Coding change: c.2116T>C on transcript NM_201384.3 (MANE Select); coding-DNA position 2116, T replaced by C.
Protein change: p.Trp706Arg; replaces tryptophan 706 with arginine.
Molecular consequence: missense variant.
Genome position (GRCh38, 1-based): chr8:143,931,999, A>G on the plus strand (T>C on the coding strand, the complement: PLEC is on the minus strand). VCF-style: chr8-143931999-A-G. GRCh37 (hg19) VCF-style: chr8-145006167-A-G.
Other names: c.2197T>C, p.Trp733Arg (NM_000445.5); c.2074T>C, p.Trp692Arg (NM_201378.4); c.2050T>C, p.Trp684Arg (NM_201379.3); c.2527T>C, p.Trp843Arg (NM_201380.4); c.2020T>C, p.Trp674Arg (NM_201381.3); c.2116T>C, p.Trp706Arg (NM_201382.4); c.2128T>C, p.Trp710Arg (NM_201383.3); short protein forms W674R, W684R, W692R, W706R, W710R, W733R, W843R.
Identifiers: ClinVar variation 1018465 (VCV001018465.5), dbSNP rs1554716037, ClinGen allele CA372576955.

ClinVar aggregate classification (germline): Uncertain significance (1 of 4 stars; one submission).

Conditions:
Epidermolysis bullosa simplex 5B, with muscular dystrophy (EBS5B). Also called: EPIDERMOLYSIS BULLOSA SIMPLEX AND LIMB-GIRDLE MUSCULAR DYSTROPHY; Epidermolysis bullosa simplex with muscular dystrophy. Identifiers: Orphanet 257, MedGen C2931072, MONDO:0009181, OMIM 226670.
Epidermolysis bullosa simplex, Ogna type (EBS5A). Also called: EPIDERMOLYSIS BULLOSA SIMPLEX 5A, OGNA TYPE; Pidermolysis bullosa simplex 5A, Ogna type. Identifiers: Orphanet 79401, MedGen C0432317, MONDO:0007555, OMIM 131950.
Epidermolysis bullosa simplex 5C, with pyloric atresia (EBS5C). Also called: Epidermolysis bullosa simplex with pyloric atresia; PLEC-Related Epidermolysis Bullosa with Pyloric Atresia; PLEC1-Related Epidermolysis Bullosa with Pyloric Atresia. Identifiers: Orphanet 158684, MedGen C2677349, MONDO:0012807, OMIM 612138.
Autosomal recessive limb-girdle muscular dystrophy type 2Q (LGMDR17). Also called: MUSCULAR DYSTROPHY, LIMB-GIRDLE, AUTOSOMAL RECESSIVE 17. Identifiers: Orphanet 254361, MedGen C3150989, MONDO:0013390, OMIM 613723.
Epidermolysis bullosa simplex with nail dystrophy (EBS5D). Identifiers: MedGen C4225309, MONDO:0014661, OMIM 616487.

Allele frequency attached by ClinVar (database versions not stated): gnomAD exomes below 0.00001.
gnomAD v4.1: 2 of 1,607,098 alleles (0.00012%); highest among the groups gnomAD compares: Admixed American, 0.0017%; no homozygotes.

Submission:

Labcorp Genetics (formerly Invitae), Labcorp
Classification: Uncertain significance for Autosomal recessive limb-girdle muscular dystrophy type 2Q; Epidermolysis bullosa simplex, Ogna type; Epidermolysis bullosa simplex with nail dystrophy; Epidermolysis bullosa simplex 5C, with pyloric atresia; Epidermolysis bullosa simplex 5B, with muscular dystrophy. Last evaluated: 2023-11-07. Review status: criteria provided, single submitter. Criteria: Invitae Variant Classification Sherloc (09022015). Collection method: clinical testing. Allele origin: germline.
Comment: This sequence change replaces tryptophan, which is neutral and slightly polar, with arginine, which is basic and polar, at codon 733 of the PLEC protein (p.Trp733Arg). This variant is present in population databases (no rsID available, gnomAD 0.003%). This variant has not been reported in the literature in individuals affected with PLEC-related conditions. ClinVar contains an entry for this variant (Variation ID: 1018465). Advanced modeling of protein sequence and biophysical properties (such as structural, functional, and spatial information, amino acid conservation, physicochemical variation, residue mobility, and thermodynamic stability) performed at Invitae indicates that this missense variant is not expected to disrupt PLEC protein function with a negative predictive value of 80%. In summary, the available evidence is currently insufficient to determine the role of this variant in disease. Therefore, it has been classified as a Variant of Uncertain Significance.